The following is an entry in ClinVar:

NM_021120.4(DLG3):c.699C>G (p.Pro233=)

Gene: DLG3 (discs large MAGUK scaffold protein 3; plus strand). Cytogenetic location: Xq13.1.
Variant type: single nucleotide variant.
Coding change: c.699C>G on transcript NM_021120.4 (MANE Select); coding-DNA position 699, C replaced by G.
Protein change: p.Pro233=; no amino-acid change (proline 233 retained).
Molecular consequence: synonymous variant.
Genome position (GRCh38, 1-based): chrX:70,449,855, C>G. VCF-style: chrX-70449855-C-G. GRCh37 (hg19) VCF-style: chrX-69669705-C-G.
Identifiers: ClinVar variation 3026188 (VCV003026188.22), dbSNP rs759695364, ClinGen allele CA10442003.

ClinVar aggregate classification (germline): Likely benign (1 of 4 stars; one submission).

Allele frequency attached by ClinVar (database versions not stated): gnomAD 0.00006; TOPMed 0.00007; ExAC 0.00009; gnomAD exomes 0.00012.
gnomAD v4.1: 139 of 1,178,173 alleles (0.012%); highest among the groups gnomAD compares: Non-Finnish European, 0.014%; no homozygotes.

Submission:

CeGaT Center for Human Genetics Tuebingen
Classification: Likely benign. Last evaluated: 2023-12-01. Review status: criteria provided, single submitter. Criteria: CeGaT Center For Human Genetics Tuebingen Variant Classification Criteria Version 2. Collection method: clinical testing. Allele origin: germline. Affected: yes. Observed: 1 variant allele.
Comment: DLG3: BP4, BP7, BS2